The following is an entry in ClinVar:

NM_000748.3(CHRNB2):c.1485C>T (p.Asp495=)

Gene: CHRNB2 (cholinergic receptor nicotinic beta 2 subunit; plus strand). Cytogenetic location: 1q21.3.
Variant type: single nucleotide variant.
Coding change: c.1485C>T on transcript NM_000748.3 (MANE Select); coding-DNA position 1485, C replaced by T.
Protein change: p.Asp495=; no amino-acid change (aspartic acid 495 retained).
Molecular consequence: synonymous variant.
Genome position (GRCh38, 1-based): chr1:154,575,908, C>T. VCF-style: chr1-154575908-C-T. GRCh37 (hg19) VCF-style: chr1-154548384-C-T.
Other names: p.D495D:GAC>GAT.
Identifiers: ClinVar variation 136774 (VCV000136774.47), dbSNP rs144813907, ClinGen allele CA232453.

ClinVar aggregate classification (germline): Conflicting classifications of pathogenicity. Review status: criteria provided, conflicting classifications (1 of 4 stars). 8 submissions from 8 submitters: Uncertain significance (1); Benign (4); Likely benign (2). 1 of the submissions does not count toward it. Last evaluated 2026-02-01.

Conditions:
CHRNB2-related disorder. Also called: CHRNB2-related condition.
Familial sleep-related hypermotor epilepsy. Also called: Autosomal Dominant Sleep-Related Hypermotor (Hyperkinetic) Epilepsy. Identifiers: Orphanet 98784, MedGen C3696898, MONDO:0000030.
Inborn genetic diseases. Identifiers: MedGen C0950123, MeSH D030342.

Allele frequency attached by ClinVar (database versions not stated): gnomAD exomes 0.00017 and 0.00043; ExAC 0.00046; gnomAD 0.00088; ESP Exome Variant Server 0.00100; TOPMed 0.00120; 1000 Genomes Project 30x 0.00297; 1000 Genomes Project 0.00300.

Submissions (8):

CeGaT Center for Human Genetics Tuebingen
Classification: Likely benign. Last evaluated: 2026-02-01. Review status: criteria provided, single submitter. Criteria: CeGaT Center For Human Genetics Tuebingen Variant Classification Criteria Version 2. Collection method: clinical testing. Allele origin: germline. Affected: yes. Observed: 7 variant alleles.
Comment: CHRNB2: BP4, BS1

Labcorp Genetics (formerly Invitae), Labcorp
Classification: Benign. Last evaluated: 2026-01-28. Review status: criteria provided, single submitter. Criteria: Invitae Variant Classification Sherloc (09022015). Collection method: clinical testing. Allele origin: germline.

Blueprint Genetics
Classification: Likely benign. Last evaluated: 2024-11-05. Review status: criteria provided, single submitter. Criteria: ACMG Guidelines, 2015. Collection method: clinical testing. Allele origin: germline.

Athena Diagnostics
Classification: Benign. Last evaluated: 2024-07-30. Review status: criteria provided, single submitter. Criteria: Athena Diagnostics Criteria. Collection method: clinical testing. Allele origin: unknown.

Ambry Genetics
Classification: Benign for Inborn genetic diseases. Last evaluated: 2016-12-14. Review status: criteria provided, single submitter. Criteria: Ambry Variant Classification Scheme 2023. Collection method: clinical testing. Allele origin: germline.

Eurofins Ntd Llc (ga)
Classification: Uncertain significance. Last evaluated: 2014-05-07. Review status: criteria provided, single submitter. Criteria: EGL Classification Definitions 2015. Collection method: clinical testing. Allele origin: germline. Observed: 1 variant allele, 1 heterozygote.

GeneDx
Classification: Benign. Last evaluated: 2014-03-26. Review status: criteria provided, single submitter. Criteria: GeneDx Variant Classification (06012015). Collection method: clinical testing. Allele origin: germline. Affected: yes.
Comment: This variant is considered likely benign or benign based on one or more of the following criteria: it is a conservative change, it occurs at a poorly conserved position in the protein, it is predicted to be benign by multiple in silico algorithms, and/or has population frequency not consistent with disease.

PreventionGenetics, part of Exact Sciences
Classification: Likely benign for CHRNB2-related condition. Last evaluated: 2019-05-03. Review status: no assertion criteria provided. Collection method: clinical testing. Allele origin: germline. Not counted in ClinVar's aggregate classification.
Comment: This variant is classified as likely benign based on ACMG/AMP sequence variant interpretation guidelines (Richards et al. 2015 PMID: 25741868, with internal and published modifications).